The following is an entry in ClinVar:

NM_001958.5(EEF1A2):c.364G>A (p.Glu122Lys)

Gene: EEF1A2 (eukaryotic translation elongation factor 1 alpha 2; minus strand). Cytogenetic location: 20q13.33.
Variant type: single nucleotide variant.
Coding change: c.364G>A on transcript NM_001958.5 (MANE Select); coding-DNA position 364, G replaced by A.
Protein change: p.Glu122Lys; replaces glutamic acid 122 with lysine.
Molecular consequence: missense variant.
Genome position (GRCh38, 1-based): chr20:63,495,062, C>T on the plus strand (G>A on the coding strand, the complement: EEF1A2 is on the minus strand). VCF-style: chr20-63495062-C-T. GRCh37 (hg19) VCF-style: chr20-62126415-C-T.
Other names: short protein forms E122K.
Identifiers: ClinVar variation 192252 (VCV000192252.64), dbSNP rs786205866, ClinGen allele CA200127.

ClinVar aggregate classification (germline): Pathogenic/Likely pathogenic. Review status: criteria provided, multiple submitters, no conflicts (2 of 4 stars). 17 submissions from 17 submitters: Pathogenic (14); Likely pathogenic (1). 2 of the submissions do not count toward it. Last evaluated 2025-12-26.

Conditions:
EEF1A2-related disorder. Also called: EEF1A2-related disorders; EEF1A2-related condition.
Inborn genetic diseases. Identifiers: MedGen C0950123, MeSH D030342.
Intellectual developmental disorder, autosomal dominant 38. Also called: PSYCHOMOTOR RETARDATION, EPILEPSY, AND LANGUAGE DISABILITY SYNDROME; Intellectual disability, autosomal dominant 38. Identifiers: MedGen C4225343, MONDO:0014617, OMIM 616393.
Developmental and epileptic encephalopathy, 33 (DEE33). Also called: Epileptic encephalopathy, early infantile, 33. Identifiers: Orphanet 442835, MedGen C4225337, MONDO:0014625, OMIM 616409.
EEF1A2-related developmental and degenerative epileptic-dyskinetic encephalopathy.

Submissions (17):

3billion
Classification: Pathogenic for Developmental and epileptic encephalopathy, 33. Last evaluated: 2025-12-26. Review status: criteria provided, single submitter. Criteria: ACMG Guidelines, 2015. Collection method: clinical testing. Allele origin: germline. Affected: yes.
Comment: The variant is not observed in the gnomAD v4.1.0 dataset. Predicted Consequence/Location: Missense variant. Missense changes are a common disease-causing mechanism. In silico tool predictions suggest damaging effect of the variant on gene or gene product [REVEL: 0.83 (>=0.6, sensitivity 0.68 and specificity 0.92)]. The same nucleotide change resulting in the same amino acid change has been previously reported as pathogenic/likely pathogenic with strong evidence (ClinVar ID: VCV000192252 /PMID: 24697219 /3billion dataset). The variant has been previously reported as de novo in a similarly affected individual (PMID: 24697219). Therefore, this variant is classified as Pathogenic according to the recommendation of ACMG/AMP guideline.

CeGaT Center for Human Genetics Tuebingen
Classification: Pathogenic. Last evaluated: 2025-08-01. Review status: criteria provided, single submitter. Criteria: CeGaT Center For Human Genetics Tuebingen Variant Classification Criteria Version 2. Collection method: clinical testing. Allele origin: germline. Affected: yes. Observed: 2 variant alleles.
Comment: EEF1A2: PM6:Strong, PS4, PM1, PM2, PP2, PS3:Supporting

GeneDx
Classification: Pathogenic. Last evaluated: 2025-04-25. Review status: criteria provided, single submitter. Criteria: GeneDx Variant Classification Process June 2021. Collection method: clinical testing. Allele origin: germline. Affected: yes.
Comment: Not observed at significant frequency in large population cohorts (gnomAD); In silico analysis supports that this missense variant has a deleterious effect on protein structure/function; This variant is associated with the following publications: (PMID: 26682508, 3066688, 24697219, 28378778, 28911200, 19636410, 26740508, 23647072, 23033978, 27441201, 33057194, 34926809, 36939041, 35982159, 31477274, 32196822, 31785789, 35873028, 31440721, 34145886, 37471090)

Institute of Human Genetics, University of Leipzig Medical Center
Classification: Pathogenic for Intellectual developmental disorder, autosomal dominant 38. Last evaluated: 2025-04-14. Review status: criteria provided, single submitter. Criteria: ACMG Guidelines, 2015. Collection method: clinical testing. Allele origin: unknown. Inheritance: Autosomal dominant inheritance. Affected: yes.
Comment: Criteria applied: PS4,PM1,PM2,PP2,PP3

Clinical Genetics Laboratory, University Hospital Schleswig-Holstein
Classification: Pathogenic for Intellectual developmental disorder, autosomal dominant 38; Developmental and epileptic encephalopathy, 33. Last evaluated: 2025-03-10. Review status: criteria provided, single submitter. Criteria: ACMG Guidelines, 2015. Collection method: clinical testing. Allele origin: de novo. Affected: yes. Observed: 1 heterozygote.
Comment: ACMG criteria applied: PM2, PS4, PP3, PP4, PS3, PS2

Labcorp Genetics (formerly Invitae), Labcorp
Classification: Pathogenic for Developmental and epileptic encephalopathy, 33. Last evaluated: 2024-12-28. Review status: criteria provided, single submitter. Criteria: Invitae Variant Classification Sherloc (09022015). Collection method: clinical testing. Allele origin: germline.
Comment: This sequence change replaces glutamic acid, which is acidic and polar, with lysine, which is basic and polar, at codon 122 of the EEF1A2 protein (p.Glu122Lys). This variant is not present in population databases (gnomAD no frequency). This missense change has been observed in individual(s) with neurological disease, including epilepsy and intellectual disability (PMID: 24697219, 26682508, 27441201). In at least one individual the variant was observed to be de novo. ClinVar contains an entry for this variant (Variation ID: 192252). Invitae Evidence Modeling of protein sequence and biophysical properties (such as structural, functional, and spatial information, amino acid conservation, physicochemical variation, residue mobility, and thermodynamic stability) indicates that this missense variant is not expected to disrupt EEF1A2 protein function with a negative predictive value of 80%. Experimental studies have shown that this missense change affects EEF1A2 function (PMID: 3066688). For these reasons, this variant has been classified as Pathogenic.

Institute of Human Genetics Munich, TUM University Hospital
Classification: Pathogenic for Developmental and epileptic encephalopathy, 33. Last evaluated: 2023-03-08. Review status: criteria provided, single submitter. Criteria: Classification criteria August 2017. Collection method: clinical testing. Allele origin: de novo. Inheritance: Autosomal dominant inheritance. Affected: yes. Observed: 1 variant allele.

Institute of Medical Genetics and Applied Genomics, University Hospital Tübingen
Classification: Pathogenic. Last evaluated: 2020-10-23. Review status: criteria provided, single submitter. Criteria: ACMG Guidelines, 2015. Collection method: clinical testing. Allele origin: germline. Inheritance: Unknown mechanism. Affected: yes.

Epilepsy Neurogenetics Initiative, Children's Hospital of Philadelphia
Classification: Pathogenic for EEF1A2-related developmental and degenerative epileptic-dyskinetic encephalopathy. Last evaluated: 2020-02-13. Review status: criteria provided, single submitter. Criteria: ACMG Guidelines, 2015. Collection method: research. Allele origin: de novo. Inheritance: Autosomal dominant inheritance. Affected: yes. Clinical features observed: Absent speech (HP:0001344), Gait ataxia (HP:0002066), Inability to walk (HP:0002540), Intellectual disability, severe (HP:0010864), Focal seizures (HP:0007359), Generalized myoclonic seizures (HP:0002123), Epileptic spasms (HP:0011097), Generalized tonic seizures (HP:0010818), Myoclonic atonic seizures (HP:0011170), Generalized tonic-clonic seizures (HP:0002069), Absence seizures (HP:0002121), Atypical absence seizures (HP:0007270), and 4 more.
Comment: The EEF1A2 c.364G>A; p.Glu122Lys variant has been identified in three individuals with a developmental and epileptic encephalopathy characterized by global developmental delays, moderate to severe intellectual disability, and intractable infantile or early childhood onset epilepsy. The variant is confirmed de novo in two individuals; testing of both parents was not performed in the third individual. The variant is absent from population databases (ExAC, gnomAD) and is predicted to have a damaging effect on the protein by in silico models. Therefore, this variant has been classified as pathogenic.

Blueprint Genetics
Classification: Pathogenic for EEF1A2-related disorders. Last evaluated: 2019-03-29. Review status: criteria provided, single submitter. Criteria: ACMG Guidelines, 2015. Collection method: clinical testing. Allele origin: de novo. Affected: yes. Observed: 2 variant alleles.

Cytogénomique, Hospices Civils de Lyon
Classification: Pathogenic for Developmental and epileptic encephalopathy, 33. Last evaluated: 2018-10-25. Review status: criteria provided, single submitter. Criteria: ACMG Guidelines, 2015. Collection method: clinical testing. Allele origin: de novo. Inheritance: Autosomal dominant inheritance. Affected: yes.

Baylor Genetics
Classification: Pathogenic for Intellectual developmental disorder, autosomal dominant 38. Last evaluated: 2018-10-04. Review status: criteria provided, single submitter. Criteria: ACMG Guidelines, 2015. Collection method: clinical testing. Allele origin: de novo. Affected: yes.
Comment: This variant was determined to be pathogenic according to ACMG Guidelines, 2015 [PMID:25741868]. This variant has been previously reported as disease causing [PMID 24697219, 26682508, 27441201]

Ambry Genetics
Classification: Pathogenic for Inborn genetic diseases. Last evaluated: 2017-02-28. Review status: criteria provided, single submitter. Criteria: Ambry exome assertion method (8-5-2015). Collection method: clinical testing. Allele origin: germline. Affected: yes. Observed: 2 variant alleles.

Genetic Services Laboratory, University of Chicago
Classification: Likely pathogenic for Epileptic encephalopathy, early infantile, 33. Last evaluated: 2015-02-18. Review status: criteria provided, single submitter. Criteria: ACMG Guidelines, 2015. Collection method: clinical testing. Allele origin: germline. Affected: yes.

Laboratoire de Génétique Moléculaire, CHU Bordeaux
Classification: Pathogenic. Review status: criteria provided, single submitter. Criteria: ACMG Guidelines, 2015. Collection method: clinical testing. Allele origin: germline. Affected: yes.

Department of Genetics, Robert DEBRE University Hospital
Classification: Pathogenic. Last evaluated: 2018-04-26. Review status: no assertion criteria provided. Collection method: clinical testing. Allele origin: de novo. Affected: yes. Not counted in ClinVar's aggregate classification.

OMIM
Classification: Pathogenic for INTELLECTUAL DEVELOPMENTAL DISORDER, AUTOSOMAL DOMINANT 38. Last evaluated: 2015-04-01. Review status: no assertion criteria provided. Collection method: literature only. Allele origin: germline. Not counted in ClinVar's aggregate classification.

Literature cited by the submitters: PubMed 24697219 (cited by 4 submitters); PubMed 26682508 (cited by Labcorp Genetics (formerly Invitae), Labcorp and Baylor Genetics); PubMed 27441201 (cited by Labcorp Genetics (formerly Invitae), Labcorp and Baylor Genetics); PubMed 3066688 (cited by Labcorp Genetics (formerly Invitae), Labcorp).